The following is an entry in ClinVar:

ClinVar aggregate classification (germline): Pathogenic (1 of 4 stars; one submission).

Conditions:
Retinitis pigmentosa 73 (RP73). Identifiers: Orphanet 791, MedGen C4225287, MONDO:0014687, OMIM 616544.
Mucopolysaccharidosis, MPS-III-C (MPS3C). Also called: SANFILIPPO SYNDROME C; mucopolysaccharidosis type 3C; Mucopolysaccharidosis type IIIC (Sanfilippo C); MPS IIIC (Sanfilippo Syndrome Type C); MUCOPOLYSACCHARIDOSIS, TYPE IIIC; MPS III C. Identifiers: Orphanet 581, Orphanet 79271, MedGen C0086649, MONDO:0009657, OMIM 252930.

Submission:

Labcorp Genetics (formerly Invitae), Labcorp
Classification: Pathogenic for Retinitis pigmentosa 73; Mucopolysaccharidosis, MPS-III-C. Last evaluated: 2019-12-11. Review status: criteria provided, single submitter. Criteria: Invitae Variant Classification Sherloc (09022015). Collection method: clinical testing. Allele origin: germline.
Comment: For these reasons, this variant has been classified as Pathogenic. Loss-of-function variants in HGSNAT are known to be pathogenic (PMID: 17033958, 19479962). This variant has not been reported in the literature in individuals with HGSNAT-related conditions. This variant is an out-of-frame deletion of the genomic region encompassing exon(s) 6-10 of the HGSNAT gene. This is expected to create a premature translational stop signal and result in an absent or disrupted protein product.

Literature cited by the submitters: PubMed 17033958; PubMed 19479962.

NC_000008.11:g.(?_43169153)_(43178254_?)del

Gene: HGSNAT (heparan-alpha-glucosaminide N-acetyltransferase; plus strand). Cytogenetic location: 8p11.21.
Variant type: Deletion.
Identifiers: ClinVar variation 832880 (VCV000832880.5).